The following is an entry in ClinVar:

NM_152564.5(VPS13B):c.5627_5628insTTTTTTTTTTTTTTTTTTTTNNNNNNNNNNACATATGTATACATGTGCCATGCTGGTGCGCTGCACCCACTAATGTGTCATCTAGCATTAGTATATCTCCCAAAGATCTCTT (p.Leu1876delinsPhePhePhePhePhePhePheXaaXaaXaaXaaHisMetTyrThrCysAlaMetLeuValArgCysThrHisTer)

Gene: VPS13B (vacuolar protein sorting 13 homolog B; plus strand). Cytogenetic location: 8q22.2.
Variant type: Insertion.
Coding change: c.5627_5628insTTTTTTTTTTTTTTTTTTTTNNNNNNNNNNACATATGTATACATGTGCCATGCTGGTGCGCTGCACCCACTAATGTGTCATCTAGCATTAGTATATCTCCCAAAGATCTCTT on transcript NM_152564.5 (MANE Select); coding-DNA positions 5627 to 5628, TTTTTTTTTTTTTTTTTTTTNNNNNNNNNNACATATGTATACATGTGCCATGCTGGTGCGCTGCACCCACTAATGTGTCATCTAGCATTAGTATATCTCCCAAAGATCTCTT inserted.
Protein change: p.Leu1876delinsPhePhePhePhePhePhePheXaaXaaXaaXaaHisMetTyrThrCysAlaMetLeuValArgCysThrHisTer.
Molecular consequence: nonsense.
Genome position: GRCh38: chr8:99,642,217-99,642,218. GRCh37 (hg19): chr8:100,654,445-100,654,446.
Other names: c.5702_5703insTTTTTTTTTTTTTTTTTTTTNNNNNNNNNNACATATGTATACATGTGCCATGCTGGTGCGCTGCACCCACTAATGTGTCATCTAGCATTAGTATATCTCCCAAAGATCTCTT, p.Leu1901delinsPhePhePhePhePhePhePheXaaXaaXaaXaaHisMetTyrThrCysAlaMetLeuValArgCysThrHisTer (NM_017890.5).
Identifiers: ClinVar variation 2134754 (VCV002134754.4), dbSNP rs2491207743.

ClinVar aggregate classification (germline): Pathogenic (1 of 4 stars; one submission).

Conditions:
Cohen syndrome (COH1). Also called: PEPPER SYNDROME; Cutis verticis gyrata, retinitis pigmentosa, and sensorineural deafness. Identifiers: Orphanet 193, MedGen C0265223, MONDO:0008999, OMIM 216550.

Submission:

Labcorp Genetics (formerly Invitae), Labcorp
Classification: Pathogenic for Cohen syndrome. Last evaluated: 2025-12-08. Review status: criteria provided, single submitter. Criteria: Invitae Variant Classification Sherloc (09022015). Collection method: clinical testing. Allele origin: germline.
Comment: This sequence change inserts a large fragment of DNA, likely a transposable element, in exon 34 of the VPS13B gene (c.5702_5703ins?), causing a frameshift at codon 1901 (p.Leu1901fs). The exact size and sequence of the insertion cannot be determined by the current assay. However, the insertion is expected to result in an absent or disrupted protein product. This variant is not present in population databases (gnomAD no frequency). This variant has not been reported in the literature in individuals affected with VPS13B-related conditions. ClinVar contains an entry for this variant (Variation ID: 2134754). Retrotransposon insertions including LINE1 (L1), Alu, and SVA (SINE-VNTR-Alu) have been reported to be disease-causing through disruption of either a coding region or splice site (PMID: 19763152, 20307669, 22406018) and loss-of-function variants in VPS13B are known to be pathogenic (PMID: 15141358, 16648375, 20461111). For these reasons, this variant has been classified as Pathogenic.

Literature cited by the submitters: PubMed 19763152; PubMed 20307669; PubMed 22406018; PubMed 15141358; PubMed 16648375; PubMed 20461111.